The following is an entry in ClinVar:

NM_138420.4(AHNAK2):c.6014G>A (p.Arg2005Lys)

Gene: AHNAK2 (AHNAK nucleoprotein 2; minus strand). Cytogenetic location: 14q32.33.
Variant type: single nucleotide variant.
Coding change: c.6014G>A on transcript NM_138420.4 (MANE Select); coding-DNA position 6014, G replaced by A.
Protein change: p.Arg2005Lys; replaces arginine 2005 with lysine.
Molecular consequence: missense variant.
Genome position (GRCh38, 1-based): chr14:104,949,437, C>T on the plus strand (G>A on the coding strand, the complement: AHNAK2 is on the minus strand). VCF-style: chr14-104949437-C-T. GRCh37 (hg19) VCF-style: chr14-105415774-C-T.
Other names: c.5714G>A, p.Arg1905Lys (NM_001350929.2); short protein forms R1905K, R2005K.
Identifiers: ClinVar variation 2644766 (VCV002644766.24), dbSNP rs201724743, ClinGen allele CA7381397.
Genomic context (GRCh38, chr14:104,949,437, plus strand): 5'-GGGAGACTCACGTCGGCCTCCACCTTGGGTGCAGGCACATCCACCGAGGCCTCGATGGAC[C>T]TCCCTGGGGCCGATACCCCGAACGACGGCATCTTGAATTTGGGCATTTTGAACTTGCTGT-3'
Protein context (NP_612429.2, residues 1995-2015): MPSFGVSAPG[Arg2005Lys]SIEASVDVPA

ClinVar aggregate classification (germline): Likely benign (1 of 4 stars; one submission).

Allele frequency attached by ClinVar (database versions not stated): ExAC 0.00275; gnomAD 0.00334; 1000 Genomes Project 0.00519; 1000 Genomes Project 30x 0.00687.
gnomAD v4.1: 2,626 of 1,581,928 alleles (0.17%); highest among the groups gnomAD compares: South Asian, 0.46%; 260 homozygotes.

Submission:

CeGaT Center for Human Genetics Tuebingen
Classification: Likely benign. Last evaluated: 2026-03-01. Review status: criteria provided, single submitter. Criteria: CeGaT Center For Human Genetics Tuebingen Variant Classification Criteria Version 2. Collection method: clinical testing. Allele origin: germline. Affected: yes. Observed: 3 variant alleles.
Comment: AHNAK2: BP4, BS2